The following is an entry in ClinVar:

ClinVar aggregate classification (germline): Uncertain significance (1 of 4 stars; one submission).

Submission:

GeneDx
Classification: Uncertain significance. Last evaluated: 2024-05-28. Review status: criteria provided, single submitter. Criteria: GeneDx Variant Classification Process June 2021. Collection method: clinical testing. Allele origin: germline. Affected: yes.
Comment: Not observed at significant frequency in large population cohorts (gnomAD); In silico analysis indicates that this missense variant does not alter protein structure/function; Has not been previously published as pathogenic or benign to our knowledge

NM_001386298.1(CIC):c.3271G>A (p.Asp1091Asn)

Gene: CIC (capicua transcriptional repressor; plus strand). Cytogenetic location: 19q13.2.
Variant type: single nucleotide variant.
Coding change: c.3271G>A on transcript NM_001386298.1 (MANE Select); coding-DNA position 3271, G replaced by A.
Protein change: p.Asp1091Asn; replaces aspartic acid 1091 with asparagine.
Molecular consequence: missense variant.
Genome position (GRCh38, 1-based): chr19:42,287,411, G>A. VCF-style: chr19-42287411-G-A. GRCh37 (hg19) VCF-style: chr19-42791563-G-A.
Other names: c.3271G>A, p.Asp1091Asn (NM_001304815.2, NM_001379480.1, NM_001379482.1); c.544G>A, p.Asp182Asn (NM_001379484.1, NM_001379485.1, NM_015125.5); short protein forms D1091N, D182N.
Identifiers: ClinVar variation 3383701 (VCV003383701.1).